The following is an entry in ClinVar:

ClinVar aggregate classification (germline): Conflicting classifications of pathogenicity. Review status: criteria provided, conflicting classifications (1 of 4 stars). 3 submissions from 3 submitters: Uncertain significance (2); Likely benign (1). Last evaluated 2023-04-09.

Conditions:
Sotos syndrome (SOTOS). Also called: CHROMOSOME 5q35 DELETION SYNDROME; SOTOS SYNDROME 1; Distinctive facial appearance, overgrowth in childhood, and learning disabilities or delayed development; CEREBRAL GIGANTISM; Sotos' syndrome. Identifiers: Orphanet 821, MedGen C0175695, MONDO:0019349, OMIM 117550.

Allele frequency attached by ClinVar (database versions not stated): ExAC 0.00001; gnomAD 0.00001; gnomAD exomes 0.00001; TOPMed 0.00002.
gnomAD v4.1: 13 of 1,611,930 alleles (0.00081%); highest among the groups gnomAD compares: African/African-American, 0.0027%; no homozygotes.

Submissions (3):

Labcorp Genetics (formerly Invitae), Labcorp
Classification: Likely benign. Last evaluated: 2023-04-09. Review status: criteria provided, single submitter. Criteria: Invitae Variant Classification Sherloc (09022015). Collection method: clinical testing. Allele origin: germline.

Fulgent Genetics
Classification: Uncertain significance for Sotos syndrome. Last evaluated: 2021-11-21. Review status: criteria provided, single submitter. Criteria: ACMG Guidelines, 2015. Collection method: clinical testing. Allele origin: unknown.

GeneDx
Classification: Uncertain significance. Last evaluated: 2021-02-03. Review status: criteria provided, single submitter. Criteria: GeneDx Variant Classification Process June 2021. Collection method: clinical testing. Allele origin: germline. Affected: yes.
Comment: In silico analysis supports that this missense variant does not alter protein structure/function; Has not been previously published as pathogenic or benign to our knowledge

NM_022455.5(NSD1):c.7739C>T (p.Ala2580Val)

Gene: NSD1 (nuclear receptor binding SET domain protein 1; plus strand). Cytogenetic location: 5q35.3.
Variant type: single nucleotide variant.
Coding change: c.7739C>T on transcript NM_022455.5 (MANE Select); coding-DNA position 7739, C replaced by T.
Protein change: p.Ala2580Val; replaces alanine 2580 with valine.
Molecular consequence: missense variant.
Genome position (GRCh38, 1-based): chr5:177,295,107, C>T. VCF-style: chr5-177295107-C-T. GRCh37 (hg19) VCF-style: chr5-176722108-C-T.
Other names: c.6866C>T, p.Ala2289Val (NM_001365684.2, NM_001409308.1, NM_172349.5); c.7739C>T, p.Ala2580Val (NM_001409301.1, NM_001409302.1, NM_001409303.1); c.7319C>T, p.Ala2440Val (NM_001409304.1); c.6986C>T, p.Ala2329Val (NM_001409305.1); c.6977C>T, p.Ala2326Val (NM_001409306.1, NM_001409307.1); c.6617C>T, p.Ala2206Val (NM_001409309.1); short protein forms A2311V, A2580V, A2206V, A2326V, A2289V, A2329V, A2440V.
Identifiers: ClinVar variation 1254005 (VCV001254005.6), dbSNP rs755285941, ClinGen allele CA3578172.